The following is an entry in ClinVar:

ClinVar aggregate classification (germline): Likely pathogenic. Review status: criteria provided, multiple submitters, no conflicts (2 of 4 stars). 3 submissions from 3 submitters: Likely pathogenic (3). Last evaluated 2026-01-19.

Conditions:
COL4A5-related disorders.
X-linked Alport syndrome (ATS1). Also called: NEPHROPATHY AND DEAFNESS, X-LINKED; COL4A5-Related Nephropathy. Identifiers: Orphanet 63, Orphanet 88917, MedGen C4746986, MONDO:0010520, OMIM 301050.

Submissions (3):

Labcorp Genetics (formerly Invitae), Labcorp
Classification: Likely pathogenic. Last evaluated: 2026-01-19. Review status: criteria provided, single submitter. Criteria: Invitae Variant Classification Sherloc (09022015). Collection method: clinical testing. Allele origin: germline.
Comment: This sequence change replaces glycine, which is neutral and non-polar, with glutamic acid, which is acidic and polar, at codon 213 of the COL4A5 protein (p.Gly213Glu). This variant is not present in population databases (gnomAD no frequency). This missense change has been observed in individual(s) with COL4A5-related conditions (PMID: 16941480). ClinVar contains an entry for this variant (Variation ID: 2138685). Invitae Evidence Modeling of protein sequence and biophysical properties (such as structural, functional, and spatial information, amino acid conservation, physicochemical variation, residue mobility, and thermodynamic stability) indicates that this missense variant is expected to disrupt COL4A5 protein function with a positive predictive value of 95%. This variant disrupts the triple helix domain of COL4A5. Glycine residues within the Gly-Xaa-Yaa repeats of the triple helix domain are required for the structure and stability of fibrillar collagens (PMID: 7695699, 8218237, 19344236). In COL4A5, missense variants at these glycine residues are significantly enriched in individuals with disease (PMID: 23720012, 27627812) compared to the general population (ExAC). In summary, the currently available evidence indicates that the variant is pathogenic, but additional data are needed to prove that conclusively. Therefore, this variant has been classified as Likely Pathogenic.

3billion
Classification: Likely pathogenic for X-linked Alport syndrome. Last evaluated: 2023-02-23. Review status: criteria provided, single submitter. Criteria: ACMG Guidelines, 2015. Collection method: clinical testing. Allele origin: unknown. Affected: yes.
Comment: The variant is not observed in the gnomAD v2.1.1 dataset. The variant is located in a mutational hot spot and/or well-established functional domain in which established pathogenic variants have been reported. Missense changes are a common disease-causing mechanism. In silico tool predictions suggest damaging effect of the variant on gene or gene product (REVEL: 0.98; 3Cnet: 0.95). Same nucleotide change resulting in same amino acid change has been previously reported to be associated with COL4A5-related disorder (PMID: 16941480). Different missense changes at the same codon (p.Gly213Arg, p.Gly213Val) have been reported to be associated with COL4A5 related disorder (ClinVar ID: VCV000599058, VCV001066320). Therefore, this variant is classified as Likely pathogenic according to the recommendation of ACMG/AMP guideline.

Blueprint Genetics
Classification: Likely pathogenic for COL4A5-related disorders. Last evaluated: 2023-02-22. Review status: criteria provided, single submitter. Criteria: ACMG Guidelines, 2015. Collection method: clinical testing. Allele origin: germline. Affected: yes. Observed: 1 variant allele.

Literature cited by the submitters: PubMed 16941480 (cited by Labcorp Genetics (formerly Invitae), Labcorp and 3billion); PubMed 7695699 (cited by Labcorp Genetics (formerly Invitae), Labcorp); PubMed 8218237 (cited by Labcorp Genetics (formerly Invitae), Labcorp); PubMed 19344236 (cited by Labcorp Genetics (formerly Invitae), Labcorp); PubMed 23720012 (cited by Labcorp Genetics (formerly Invitae), Labcorp); PubMed 27627812 (cited by Labcorp Genetics (formerly Invitae), Labcorp).

NM_033380.3(COL4A5):c.638G>A (p.Gly213Glu)

Gene: COL4A5 (collagen type IV alpha 5 chain; plus strand). Cytogenetic location: Xq22.3.
Variant type: single nucleotide variant.
Coding change: c.638G>A on transcript NM_033380.3 (MANE Select); coding-DNA position 638, G replaced by A.
Protein change: p.Gly213Glu; replaces glycine 213 with glutamic acid.
Molecular consequence: missense variant.
Genome position (GRCh38, 1-based): chrX:108,577,980, G>A. VCF-style: chrX-108577980-G-A. GRCh37 (hg19) VCF-style: chrX-107821210-G-A.
Other names: c.638G>A, p.Gly213Glu (NM_000495.5); short protein forms G213E.
Identifiers: ClinVar variation 2138685 (VCV002138685.6), dbSNP rs104886066, ClinGen allele CA258296.